The following is an entry in ClinVar:

ClinVar aggregate classification (germline): Conflicting classifications of pathogenicity. Review status: criteria provided, conflicting classifications (1 of 4 stars). 3 submissions from 3 submitters: Likely pathogenic (1); Likely risk allele (1); Uncertain significance (1). Last evaluated 2024-05-23.

Conditions:
Diabetes mellitus, permanent neonatal 2. Also called: KCNJ11-Related Permanent Neonatal Diabetes Mellitus. Identifiers: MedGen C5394296, MONDO:0030087, OMIM 618856.
Diabetes mellitus, transient neonatal, 3 (TNDM3). Identifiers: Orphanet 99886, MedGen C1864623, MONDO:0012522, OMIM 610582. Disease mechanism: loss of function.
Hyperinsulinemic hypoglycemia, familial, 2. Also called: HYPERINSULINEMIC HYPOGLYCEMIA, PERSISTENT; HYPERINSULINISM, NEONATAL. Identifiers: Orphanet 276580, Orphanet 276603, MedGen C2931833, MONDO:0011153, OMIM 601820. Disease mechanism: loss of function.
Maturity-onset diabetes of the young type 13. Also called: MODY, TYPE 13. Identifiers: Orphanet 552, MedGen C4225365, MONDO:0014589, OMIM 616329.
Type 2 diabetes mellitus. Also called: Type II diabetes mellitus. Identifiers: MedGen C0011860, MeSH D003924, MONDO:0005148, OMIM 125853, HP:0005978.

Submissions (3):

Fulgent Genetics
Classification: Likely pathogenic for Type 2 diabetes mellitus; Hyperinsulinemic hypoglycemia, familial, 2; Diabetes mellitus, transient neonatal, 3; Maturity-onset diabetes of the young type 13; Diabetes mellitus, permanent neonatal 2. Last evaluated: 2024-05-23. Review status: criteria provided, single submitter. Criteria: ACMG Guidelines, 2015. Collection method: clinical testing. Allele origin: germline.

Athena Diagnostics
Classification: Uncertain significance. Last evaluated: 2019-07-03. Review status: criteria provided, single submitter. Criteria: Athena Diagnostics Criteria. Collection method: clinical testing. Allele origin: germline.

Clinical Genomics, Uppaluri K&H Personalized Medicine Clinic
Classification: Likely risk allele for Type 2 diabetes mellitus. Review status: criteria provided, single submitter. Criteria: K & H Uppaluri Personalized Medicine Clinic Variant Classification & Assertion Criteria_Updated V.1. Collection method: research. Allele origin: somatic. Inheritance: Autosomal dominant inheritance. Affected: yes.
Comment: rs766891274 variant of in KCNJ11 gene can cause decreased production and secretion of insulin. This can lead to MODY which is responsive to oral sulfonylureas.

Literature cited by the submitters: PubMed 24401662 (cited by Athena Diagnostics); PubMed 34465386 (cited by Clinical Genomics, Uppaluri K&H Personalized Medicine Clinic).

NM_000525.4(KCNJ11):c.406C>A (p.Arg136Ser)

Gene: KCNJ11 (potassium inwardly rectifying channel subfamily J member 11; minus strand). Cytogenetic location: 11p15.1.
Variant type: single nucleotide variant.
Coding change: c.406C>A on transcript NM_000525.4 (MANE Select); coding-DNA position 406, C replaced by A.
Protein change: p.Arg136Ser; replaces arginine 136 with serine.
Molecular consequence: missense variant.
Genome position (GRCh38, 1-based): chr11:17,387,686, G>T on the plus strand (C>A on the coding strand, the complement: KCNJ11 is on the minus strand). VCF-style: chr11-17387686-G-T. GRCh37 (hg19) VCF-style: chr11-17409233-G-T.
Other names: c.145C>A, p.Arg49Ser (NM_001166290.2, NM_001377296.1, NM_001377297.1); short protein forms R49S, R136S.
Identifiers: ClinVar variation 804976 (VCV000804976.3), dbSNP rs766891274, ClinGen allele CA379773977.